The following is an entry in ClinVar:

NM_001034853.2(RPGR):c.3215C>T (p.Thr1072Ile)

Gene: RPGR (retinitis pigmentosa GTPase regulator; minus strand). Cytogenetic location: Xp11.4.
Variant type: single nucleotide variant.
Coding change: c.3215C>T on transcript NM_001034853.2 (MANE Select); coding-DNA position 3215, C replaced by T.
Protein change: p.Thr1072Ile; replaces threonine 1072 with isoleucine.
Molecular consequence: missense variant. On other transcripts: intron variant (8).
Genome position (GRCh38, 1-based): chrX:38,285,784, G>A on the plus strand (C>T on the coding strand, the complement: RPGR is on the minus strand). VCF-style: chrX-38285784-G-A. GRCh37 (hg19) VCF-style: chrX-38145037-G-A.
Other names: c.1569+5175C>T (NM_001367249.1, NM_001367250.1); c.1902+1310C>T (NM_001367245.1); c.1386+5175C>T (NM_001367251.1); c.1719+1310C>T (NM_001367246.1); c.1572+5175C>T (NM_001367247.1); c.1905+1310C>T (NM_000328.3); c.1602+5175C>T (NM_001367248.1); short protein forms T1072I.
Identifiers: ClinVar variation 3698259 (VCV003698259.2).

ClinVar aggregate classification (germline): Uncertain significance (1 of 4 stars; one submission).

Conditions:
Primary ciliary dyskinesia. Also called: Ciliary dyskinesia. Identifiers: Orphanet 244, MedGen C0008780, MONDO:0016575, HP:0012265.

gnomAD v4.1: 51 of 1,209,869 alleles (0.0042%); highest among the groups gnomAD compares: Non-Finnish European, 0.0057%; no homozygotes.

Submission:

Labcorp Genetics (formerly Invitae), Labcorp
Classification: Uncertain significance for Primary ciliary dyskinesia. Last evaluated: 2024-11-16. Review status: criteria provided, single submitter. Criteria: Invitae Variant Classification Sherloc (09022015). Collection method: clinical testing. Allele origin: germline.
Comment: This sequence change replaces threonine, which is neutral and polar, with isoleucine, which is neutral and non-polar, at codon 1072 of the RPGR (ORF15) protein (p.Thr1072Ile). This variant is present in population databases (rs768584692, gnomAD 0.001%). This variant has not been reported in the literature in individuals affected with RPGR (ORF15)-related conditions. Invitae Evidence Modeling of protein sequence and biophysical properties (such as structural, functional, and spatial information, amino acid conservation, physicochemical variation, residue mobility, and thermodynamic stability) indicates that this missense variant is not expected to disrupt RPGR (ORF15) protein function with a negative predictive value of 95%. In summary, the available evidence is currently insufficient to determine the role of this variant in disease. Therefore, it has been classified as a Variant of Uncertain Significance.